The following is an entry in ClinVar:

ClinVar aggregate classification (germline): Likely pathogenic (1 of 4 stars; one submission).

Conditions:
Tuberous sclerosis 2 (TSC2). Identifiers: Orphanet 805, MedGen C1860707, MONDO:0013199, OMIM 613254.

Submission:

Molecular Genetics Department, Kulakov National Medical Research Center for Obstetrics, Gynecology and Perinatology
Classification: Likely pathogenic for Tuberous sclerosis 2. Review status: criteria provided, single submitter. Criteria: ACMG Guidelines, 2015. Collection method: clinical testing. Allele origin: germline. Affected: yes.
Comment: A previously undescribed nucleotide variant creates a frameshift p.Ile364GlyfsTer22 in the TSC2 gene. Loss-of-function variants are reported in patients with Tuberous sclerosis-2, 613254. The variant is not present in population database (gnomAD no frequency). In summary, the currently available evidence indicates that the variant is pathogenic, but additional data are needed to prove that conclusively. Therefore, this variant has been classified as likely pathogenic.

NM_000548.5(TSC2):c.1090_1099del (p.Ile364fs)

Gene: TSC2 (TSC complex subunit 2; plus strand). Cytogenetic location: 16p13.3.
Variant type: Deletion.
Coding change: c.1090_1099del on transcript NM_000548.5 (MANE Select); coding-DNA positions 1090 to 1099, 10 bases deleted (ATCATCGAAC; older notation c.1090_1099delATCATCGAAC).
Protein change: p.Ile364fs; shifts the reading frame from isoleucine 364.
Molecular consequence: frameshift variant. On other transcripts: 5 prime UTR variant (10), non-coding transcript variant (5).
Genome position (GRCh38, 1-based): chr16:2,060,784-2,060,793, ATCATCGAAC deleted; deleting any 10 consecutive bases within chr16:2,060,780-2,060,793 gives the same sequence; the c. name uses the placement nearest the transcript's 3' end. VCF-style (leftmost placement, unchanged base first): chr16-2060779-TGAACATCATC-T. GRCh37 (hg19) VCF-style: chr16-2110780-TGAACATCATC-T.
Other names: c.1090_1099del, p.Ile364fs (NM_001077183.3, NM_001114382.3, NM_001363528.2 and 6 more transcripts); c.979_988del, p.Ile327fs (NM_001318827.2, NM_001406670.1, NM_001406678.1); c.943_952del, p.Ile315fs (NM_001318829.2, NM_001406675.1, NM_001406676.1 and 1 more transcripts); c.490_499del, p.Ile164fs (NM_001318831.2, NM_001406680.1, NM_001406682.1 and 6 more transcripts); c.1123_1132del, p.Ile375fs (NM_001318832.2); c.1180_1189del, p.Ile394fs (NM_001406667.1, NM_001406668.1); c.1078_1087del, p.Ile360fs (NM_001406671.1, NM_001406673.1); c.1033_1042del, p.Ile345fs (NM_001406677.1); and 4 more; short protein forms I164fs, I210fs, I315fs, I327fs, I345fs, I360fs, I364fs, I375fs.
Identifiers: ClinVar variation 3062246 (VCV003062246.1), dbSNP rs2548522476, ClinGen allele CA2740090982.